The following is an entry in ClinVar:

ClinVar aggregate classification (germline): Uncertain significance (1 of 4 stars; one submission).

Conditions:
Dilated cardiomyopathy 1G (CMD1G). Identifiers: Orphanet 154, MedGen C1858763, MONDO:0011400, OMIM 604145.
Autosomal recessive limb-girdle muscular dystrophy type 2J (LGMDR10). Also called: Limb-girdle muscular dystrophy, type 2J; MUSCULAR DYSTROPHY, LIMB-GIRDLE, AUTOSOMAL RECESSIVE 10. Identifiers: Orphanet 140922, MedGen C1837342, MONDO:0012127, OMIM 608807.

Allele frequency attached by ClinVar (database versions not stated): gnomAD exomes below 0.00001; TOPMed below 0.00001; gnomAD 0.00001.

Submission:

Labcorp Genetics (formerly Invitae), Labcorp
Classification: Uncertain significance for Dilated cardiomyopathy 1G; Autosomal recessive limb-girdle muscular dystrophy type 2J. Last evaluated: 2025-07-20. Review status: criteria provided, single submitter. Criteria: Invitae Variant Classification Sherloc (09022015). Collection method: clinical testing. Allele origin: germline.
Comment: This sequence change replaces valine, which is neutral and non-polar, with methionine, which is neutral and non-polar, at codon 13099 of the TTN protein (p.Val13099Met). This variant also falls at the last nucleotide of exon 204, which is part of the consensus splice site for this exon. This variant is not present in population databases (gnomAD no frequency). This variant has not been reported in the literature in individuals affected with TTN-related conditions. ClinVar contains an entry for this variant (Variation ID: 837143). Experimental studies and prediction algorithms are not available or were not evaluated, and the functional significance of this variant is currently unknown. Variants that disrupt the consensus splice site are a relatively common cause of aberrant splicing (PMID: 17576681, 9536098). Algorithms developed to predict the effect of sequence changes on RNA splicing suggest that this variant may disrupt the consensus splice site. This variant is located in the I band of TTN (PMID: 25589632). Non-truncating variants in this region may be clinically relevant, but have not been definitively shown to cause cardiomyopathy or neuromuscular disease (PMID: 27493940, 32778822). In summary, the available evidence is currently insufficient to determine the role of this variant in disease. Therefore, it has been classified as a Variant of Uncertain Significance.

Literature cited by the submitters: PubMed 17576681; PubMed 9536098; PubMed 25589632; PubMed 27493940; PubMed 32778822.

NM_001267550.2(TTN):c.39295G>A (p.Val13099Met)

Gene: TTN (titin; minus strand). Cytogenetic location: 2q31.2.
Variant type: single nucleotide variant.
Coding change: c.39295G>A on transcript NM_001267550.2 (MANE Select); coding-DNA position 39295, G replaced by A.
Protein change: p.Val13099Met; replaces valine 13099 with methionine.
Molecular consequence: missense variant. On other transcripts: intron variant (3).
Genome position (GRCh38, 1-based): chr2:178,652,096, C>T on the plus strand (G>A on the coding strand, the complement: TTN is on the minus strand). VCF-style: chr2-178652096-C-T. GRCh37 (hg19) VCF-style: chr2-179516823-C-T.
Other names: c.34774G>A, p.Val11592Met (NM_001256850.1); c.31993G>A, p.Val10665Met (NM_133378.4); c.13283-9779G>A (NM_003319.4); c.13859-9779G>A (NM_133437.4); c.13658-9779G>A (NM_133432.3); short protein forms V13099M, V10665M, V11592M.
Identifiers: ClinVar variation 837143 (VCV000837143.2), dbSNP rs1394450889, ClinGen allele CA349458995.